The following is an entry in ClinVar:

ClinVar aggregate classification (germline): Conflicting classifications of pathogenicity. Review status: criteria provided, conflicting classifications (1 of 4 stars). 9 submissions from 7 submitters: Uncertain significance (3); Benign (1); Likely benign (5). Last evaluated 2025-10-03.

Conditions:
SPTA1-related disorder. Also called: SPTA1-related condition; SPTA1-related disorders.
Hereditary spherocytosis type 3. Also called: SPTA1-Related Spherocytosis; Spherocytosis type 3. Identifiers: Orphanet 822, MedGen C2678338, MONDO:0010053, OMIM 270970.
Pyropoikilocytosis, hereditary. Also called: Pyropoikilocytosis. Identifiers: MedGen C0520739, MONDO:0009948, OMIM 266140, HP:0004839. Disease mechanism: loss of function.
Elliptocytosis 2 (EL2). Also called: ELLIPTOCYTOSIS, RHESUS-UNLINKED TYPE. Identifiers: Orphanet 288, MedGen C1851741, MONDO:0007533, OMIM 130600.

Allele frequency attached by ClinVar (database versions not stated): gnomAD exomes 0.00057; ExAC 0.00065; ESP Exome Variant Server 0.00125; TOPMed 0.00165; gnomAD 0.00169 and 0.00177; 1000 Genomes Project 30x 0.00203; 1000 Genomes Project 0.00260.

Submissions (9):

Labcorp Genetics (formerly Invitae), Labcorp
Classification: Likely benign. Last evaluated: 2025-10-03. Review status: criteria provided, single submitter. Criteria: Invitae Variant Classification Sherloc (09022015). Collection method: clinical testing. Allele origin: germline.

CeGaT Center for Human Genetics Tuebingen
Classification: Likely benign. Last evaluated: 2025-10-01. Review status: criteria provided, single submitter. Criteria: CeGaT Center For Human Genetics Tuebingen Variant Classification Criteria Version 2. Collection method: clinical testing. Allele origin: germline. Affected: yes. Observed: 4 variant alleles.
Comment: SPTA1: BP4, BS2

PreventionGenetics, part of Exact Sciences
Classification: Likely benign for SPTA1-related condition. Last evaluated: 2025-07-07. Review status: criteria provided, single submitter. Criteria: ACMG Guidelines, 2015. Collection method: clinical testing. Allele origin: germline.
Comment: This variant is classified as likely benign based on ACMG/AMP sequence variant interpretation guidelines (Richards et al. 2015 PMID: 25741868, with internal and published modifications).

ARUP Laboratories, Molecular Genetics and Genomics, ARUP Laboratories
Classification: Likely benign. Last evaluated: 2025-05-30. Review status: criteria provided, single submitter. Criteria: ARUP Molecular Germline Variant Investigation Process 2024. Collection method: clinical testing. Allele origin: germline.

Mayo Clinic Laboratories, Mayo Clinic
Classification: Uncertain significance. Last evaluated: 2025-03-17. Review status: criteria provided, single submitter. Criteria: ACMG Guidelines, 2015. Collection method: clinical testing. Allele origin: germline. Observed: 10 variant alleles.
Comment: BP4_moderate

Blueprint Genetics
Classification: Likely benign. Last evaluated: 2024-11-20. Review status: criteria provided, single submitter. Criteria: ACMG Guidelines, 2015. Collection method: clinical testing. Allele origin: germline.

Illumina Laboratory Services, Illumina
Classification: Benign for Elliptocytosis 2. Last evaluated: 2017-04-27. Review status: criteria provided, single submitter. Criteria: ICSL Variant Classification Criteria 13 December 2019. Collection method: clinical testing. Allele origin: germline.
Comment: This variant was observed as part of a predisposition screen in an ostensibly healthy population. A literature search was performed for the gene, cDNA change, and amino acid change (where applicable). No publications were found based on this search. Allele frequency data from public databases was too high to be consistent with this variant causing disease. Therefore, this variant is classified as benign.

Illumina Laboratory Services, Illumina
Classification: Uncertain significance for Hereditary spherocytosis type 3. Last evaluated: 2017-04-27. Review status: criteria provided, single submitter. Criteria: ICSL Variant Classification Criteria 13 December 2019. Collection method: clinical testing. Allele origin: germline.

Illumina Laboratory Services, Illumina
Classification: Uncertain significance for Pyropoikilocytosis, hereditary. Last evaluated: 2017-04-27. Review status: criteria provided, single submitter. Criteria: ICSL Variant Classification Criteria 13 December 2019. Collection method: clinical testing. Allele origin: germline.

NM_003126.4(SPTA1):c.748C>T (p.Arg250Cys)

Gene: SPTA1 (spectrin alpha, erythrocytic 1; minus strand). Cytogenetic location: 1q23.1.
Variant type: single nucleotide variant.
Coding change: c.748C>T on transcript NM_003126.4 (MANE Select); coding-DNA position 748, C replaced by T.
Protein change: p.Arg250Cys; replaces arginine 250 with cysteine.
Molecular consequence: missense variant.
Genome position (GRCh38, 1-based): chr1:158,678,465, G>A on the plus strand (C>T on the coding strand, the complement: SPTA1 is on the minus strand). VCF-style: chr1-158678465-G-A. GRCh37 (hg19) VCF-style: chr1-158648255-G-A.
Other names: p.Arg250Cys; short protein forms R250C.
Identifiers: ClinVar variation 775147 (VCV000775147.45), dbSNP rs143459302, ClinGen allele CA1184046.